The following is an entry in ClinVar:

ClinVar aggregate classification (germline): Likely benign. Review status: criteria provided, multiple submitters, no conflicts (2 of 4 stars). 2 submissions from 2 submitters: Likely benign (2). Last evaluated 2026-04-20.

Conditions:
LRP5-related disorder. Also called: LRP5-related condition.

Allele frequency attached by ClinVar (database versions not stated): ESP Exome Variant Server 0.00015; 1000 Genomes Project 0.00020; 1000 Genomes Project 30x 0.00031.
gnomAD v4.1: 11 of 1,613,288 alleles (0.00068%); highest among the groups gnomAD compares: African/African-American, 0.013%; no homozygotes.

Submissions (2):

PreventionGenetics, part of Exact Sciences
Classification: Likely benign for LRP5-related condition. Last evaluated: 2026-04-20. Review status: criteria provided, single submitter. Criteria: ACMG Guidelines, 2015. Collection method: clinical testing. Allele origin: germline.
Comment: This variant is classified as likely benign based on ACMG/AMP sequence variant interpretation guidelines (Richards et al. 2015 PMID: 25741868, with internal and published modifications).

Labcorp Genetics (formerly Invitae), Labcorp
Classification: Likely benign. Last evaluated: 2025-03-14. Review status: criteria provided, single submitter. Criteria: Invitae Variant Classification Sherloc (09022015). Collection method: clinical testing. Allele origin: germline.

NM_002335.4(LRP5):c.99G>T (p.Pro33=)

Gene: LRP5 (LDL receptor related protein 5; plus strand). Cytogenetic location: 11q13.2.
Variant type: single nucleotide variant.
Coding change: c.99G>T on transcript NM_002335.4 (MANE Select); coding-DNA position 99, G replaced by T.
Protein change: p.Pro33=; no amino-acid change (proline 33 retained).
Molecular consequence: synonymous variant. On other transcripts: 5 prime UTR variant (1).
Genome position (GRCh38, 1-based): chr11:68,347,854, G>T. VCF-style: chr11-68347854-G-T. GRCh37 (hg19) VCF-style: chr11-68115322-G-T.
Other names: c.-1667G>T (NM_001291902.2); c.99G>T (NM_002335.3).
Identifiers: ClinVar variation 1124243 (VCV001124243.10), dbSNP rs375594120, ClinGen allele CA6148906.